The following is an entry in ClinVar:

ClinVar aggregate classification (germline): Conflicting classifications of pathogenicity. Review status: criteria provided, conflicting classifications (1 of 4 stars). 4 submissions from 4 submitters: Pathogenic (1); Likely pathogenic (2); Uncertain significance (1). Last evaluated 2026-09-24.

Conditions:
TSPEAR-related disorder. Also called: TSPEAR-related condition.

Allele frequency attached by ClinVar (database versions not stated): gnomAD exomes below 0.00001 and 0.00001; ExAC 0.00001; gnomAD 0.00001; TOPMed 0.00002.
gnomAD v4.1: 23 of 1,613,792 alleles (0.0014%); highest among the groups gnomAD compares: Non-Finnish European, 0.0016%; no homozygotes.

Submissions (4):

PreventionGenetics, part of Exact Sciences
Classification: Likely pathogenic for TSPEAR-related condition. Last evaluated: 2026-09-24. Review status: criteria provided, single submitter. Criteria: ACMG Guidelines, 2015. Collection method: clinical testing. Allele origin: germline.
Comment: The TSPEAR c.802C>T variant is predicted to result in premature protein termination (p.Arg268*). To our knowledge, this variant has not been reported in the literature. This variant is reported in 0.00088% of alleles in individuals of European (Non-Finnish) descent in gnomAD. Nonsense variants in TSPEAR are expected to be pathogenic. This variant is interpreted as likely pathogenic.

Labcorp Genetics (formerly Invitae), Labcorp
Classification: Pathogenic. Last evaluated: 2023-06-20. Review status: criteria provided, single submitter. Criteria: Invitae Variant Classification Sherloc (09022015). Collection method: clinical testing. Allele origin: germline.
Comment: This sequence change creates a premature translational stop signal (p.Arg268*) in the TSPEAR gene. It is expected to result in an absent or disrupted protein product. Loss-of-function variants in TSPEAR are known to be pathogenic (PMID: 34042254). This variant is present in population databases (rs782471965, gnomAD 0.0009%). This variant has not been reported in the literature in individuals affected with TSPEAR-related conditions. ClinVar contains an entry for this variant (Variation ID: 505557). For these reasons, this variant has been classified as Pathogenic.

Blueprint Genetics
Classification: Likely pathogenic for TSPEAR-related disorders. Last evaluated: 2023-02-14. Review status: criteria provided, single submitter. Criteria: ACMG Guidelines, 2015. Collection method: clinical testing. Allele origin: germline. Affected: yes. Observed: 3 variant alleles.

Laboratory for Molecular Medicine, Mass General Brigham Personalized Medicine
Classification: Uncertain significance. Last evaluated: 2017-01-17. Review status: criteria provided, single submitter. Criteria: LMM Criteria. Collection method: clinical testing. Allele origin: germline. Observed: 1 variant allele.
Comment: The p.Arg268X variant in TSPEAR has not been previously reported in individuals with hearing loss, but has been identified in 1/66396 of European chromosomes by the Exome Aggregation Consortium (ExAC; dbSNP r s782471965). Although this variant has been seen in the general population, its frequency is not high enough to rule out a pathogenic role. This nonsense varian t leads to a premature termination codon at position 268, which is predicted to lead to a truncated or absent protein. However, there is only moderate evidence to support an association of TSPEAR with autosomal recessive nonsyndromic hearin g loss. In summary, the clinical significance of the p.Arg268X variant is uncert ain.

Literature cited by the submitters: PubMed 34042254 (cited by Labcorp Genetics (formerly Invitae), Labcorp).

NM_144991.3(TSPEAR):c.802C>T (p.Arg268Ter)

Gene: TSPEAR (thrombospondin type laminin G domain and EAR repeats; minus strand). Cytogenetic location: 21q22.3.
Variant type: single nucleotide variant.
Coding change: c.802C>T on transcript NM_144991.3 (MANE Select); coding-DNA position 802, C replaced by T.
Protein change: p.Arg268Ter; replaces arginine 268 with a stop codon.
Molecular consequence: nonsense.
Genome position (GRCh38, 1-based): chr21:44,528,572, G>A on the plus strand (C>T on the coding strand, the complement: TSPEAR is on the minus strand). VCF-style: chr21-44528572-G-A. GRCh37 (hg19) VCF-style: chr21-45948455-G-A.
Other names: c.598C>T, p.Arg200Ter (NM_001272037.2); short protein forms R268*, R200*.
Identifiers: ClinVar variation 505557 (VCV000505557.10), dbSNP rs782471965, ClinGen allele CA10056836.